The following is an entry in ClinVar:

ClinVar aggregate classification (germline): Uncertain significance (1 of 4 stars; one submission).

Conditions:
Mitochondrial DNA depletion syndrome, encephalomyopathic form with methylmalonic aciduria (MTDPS5). Also called: MITOCHONDRIAL DNA DEPLETION SYNDROME, ENCEPHALOMYOPATHIC FORM, WITH OR WITHOUT METHYLMALONIC ACIDURIA, AUTOSOMAL RECESSIVE, SUCLA2-RELATED; Mitochondrial DNA depletion syndrome 5 (encephalomyopathic with or without methylmalonic aciduria); SUCLA2-Related Mitochondrial DNA Depletion Syndrome, Encephalomyopathic Form with Methylmalonic Aciduria; Mitochondrial encephalomyopathy aminoacidopathy. Identifiers: Orphanet 1933, MedGen C5980207, MONDO:0012791, OMIM 612073.

Submission:

Labcorp Genetics (formerly Invitae), Labcorp
Classification: Uncertain significance for Mitochondrial DNA depletion syndrome, encephalomyopathic form with methylmalonic aciduria. Last evaluated: 2022-05-25. Review status: criteria provided, single submitter. Criteria: Invitae Variant Classification Sherloc (09022015). Collection method: clinical testing. Allele origin: germline.
Comment: In summary, the available evidence is currently insufficient to determine the role of this variant in disease. Therefore, it has been classified as a Variant of Uncertain Significance. Algorithms developed to predict the effect of missense changes on protein structure and function are either unavailable or do not agree on the potential impact of this missense change (SIFT: "Tolerated"; PolyPhen-2: "Probably Damaging"; Align-GVGD: "Class C0"). This variant has not been reported in the literature in individuals affected with SUCLA2-related conditions. This variant is not present in population databases (gnomAD no frequency). This sequence change replaces cysteine, which is neutral and slightly polar, with serine, which is neutral and polar, at codon 430 of the SUCLA2 protein (p.Cys430Ser).

NM_003850.3(SUCLA2):c.1289G>C (p.Cys430Ser)

Gene: SUCLA2 (succinate-CoA ligase ADP-forming subunit beta; minus strand). Cytogenetic location: 13q14.2.
Variant type: single nucleotide variant.
Coding change: c.1289G>C on transcript NM_003850.3 (MANE Select); coding-DNA position 1289, G replaced by C.
Protein change: p.Cys430Ser; replaces cysteine 430 with serine.
Molecular consequence: missense variant.
Genome position (GRCh38, 1-based): chr13:47,948,968, C>G on the plus strand (G>C on the coding strand, the complement: SUCLA2 is on the minus strand). VCF-style: chr13-47948968-C-G. GRCh37 (hg19) VCF-style: chr13-48523103-C-G.
Other names: short protein forms C430S.
Identifiers: ClinVar variation 1998830 (VCV001998830.4), dbSNP rs2541667975, ClinGen allele CA388249451.